The following is an entry in ClinVar:

NM_001384474.1(LOXHD1):c.800T>G (p.Phe267Cys)

Gene: LOXHD1 (lipoxygenase homology PLAT domains 1; minus strand). Cytogenetic location: 18q21.1.
Variant type: single nucleotide variant.
Coding change: c.800T>G on transcript NM_001384474.1 (MANE Select); coding-DNA position 800, T replaced by G.
Protein change: p.Phe267Cys; replaces phenylalanine 267 with cysteine.
Molecular consequence: missense variant.
Genome position (GRCh38, 1-based): chr18:46,604,189, A>C on the plus strand (T>G on the coding strand, the complement: LOXHD1 is on the minus strand). VCF-style: chr18-46604189-A-C. GRCh37 (hg19) VCF-style: chr18-44184152-A-C.
Other names: c.800T>G, p.Phe267Cys (NM_144612.7); short protein forms F267C.
Identifiers: ClinVar variation 3620242 (VCV003620242.2).

ClinVar aggregate classification (germline): Uncertain significance (1 of 4 stars; one submission).

Submission:

Labcorp Genetics (formerly Invitae), Labcorp
Classification: Uncertain significance. Last evaluated: 2024-06-03. Review status: criteria provided, single submitter. Criteria: Invitae Variant Classification Sherloc (09022015). Collection method: clinical testing. Allele origin: germline.
Comment: This sequence change replaces phenylalanine, which is neutral and non-polar, with cysteine, which is neutral and slightly polar, at codon 267 of the LOXHD1 protein (p.Phe267Cys). This variant is not present in population databases (gnomAD no frequency). This missense change has been observed in individual(s) with deafness (Invitae). An algorithm developed to predict the effect of missense changes on protein structure and function (PolyPhen-2) suggests that this variant is likely to be tolerated. In summary, the available evidence is currently insufficient to determine the role of this variant in disease. Therefore, it has been classified as a Variant of Uncertain Significance.